The following is an entry in ClinVar:

NM_001256789.3(CACNA1F):c.1504C>G (p.Arg502Gly)

Gene: CACNA1F (calcium voltage-gated channel subunit alpha1 F; minus strand). Cytogenetic location: Xp11.23.
Variant type: single nucleotide variant.
Coding change: c.1504C>G on transcript NM_001256789.3 (MANE Select); coding-DNA position 1504, C replaced by G.
Protein change: p.Arg502Gly; replaces arginine 502 with glycine.
Molecular consequence: missense variant.
Genome position (GRCh38, 1-based): chrX:49,226,056, G>C on the plus strand (C>G on the coding strand, the complement: CACNA1F is on the minus strand). VCF-style: chrX-49226056-G-C. GRCh37 (hg19) VCF-style: chrX-49082518-G-C.
Other names: c.1342C>G, p.Arg448Gly (NM_001256790.3); c.1537C>G, p.Arg513Gly (NM_005183.4); short protein forms R448G, R502G, R513G.
Identifiers: ClinVar variation 1056186 (VCV001056186.9), dbSNP rs1365490247, ClinGen allele CA412916662.

ClinVar aggregate classification (germline): Uncertain significance (1 of 4 stars; one submission).

Allele frequency attached by ClinVar (database versions not stated): TOPMed below 0.00001; gnomAD 0.00001.
gnomAD v4.1: 1 of 1,187,281 alleles (0.000084%); highest among the groups gnomAD compares: Non-Finnish European, 0.00011%; no homozygotes.

Submission:

Labcorp Genetics (formerly Invitae), Labcorp
Classification: Uncertain significance. Last evaluated: 2020-06-02. Review status: criteria provided, single submitter. Criteria: Invitae Variant Classification Sherloc (09022015). Collection method: clinical testing. Allele origin: germline.
Comment: This variant is not present in population databases (ExAC no frequency). This sequence change replaces arginine with glycine at codon 513 of the CACNA1F protein (p.Arg513Gly). The arginine residue is moderately conserved and there is a moderate physicochemical difference between arginine and glycine. This variant has not been reported in the literature in individuals with CACNA1F-related conditions. In summary, the available evidence is currently insufficient to determine the role of this variant in disease. Therefore, it has been classified as a Variant of Uncertain Significance. Algorithms developed to predict the effect of missense changes on protein structure and function are either unavailable or do not agree on the potential impact of this missense change (SIFT: "Deleterious"; PolyPhen-2: "Probably Damaging"; Align-GVGD: "Class C15").